The following is an entry in ClinVar:

ClinVar aggregate classification (germline): Likely pathogenic (1 of 4 stars; one submission).

Submission:

Labcorp Genetics (formerly Invitae), Labcorp
Classification: Likely pathogenic. Last evaluated: 2022-09-25. Review status: criteria provided, single submitter. Criteria: Invitae Variant Classification Sherloc (09022015). Collection method: clinical testing. Allele origin: germline.
Comment: In summary, the currently available evidence indicates that the variant is pathogenic, but additional data are needed to prove that conclusively. Therefore, this variant has been classified as Likely Pathogenic. Algorithms developed to predict the effect of sequence changes on RNA splicing suggest that this variant may disrupt the consensus splice site. This sequence change affects an acceptor splice site in intron 12 of the ACO2 gene. It is expected to disrupt RNA splicing. Variants that disrupt the donor or acceptor splice site typically lead to a loss of protein function (PMID: 16199547), and loss-of-function variants in ACO2 are known to be pathogenic (PMID: 30689204, 32519519). This variant is not present in population databases (gnomAD no frequency). This variant has not been reported in the literature in individuals affected with ACO2-related conditions. ClinVar contains an entry for this variant (Variation ID: 1513443).

Literature cited by the submitters: PubMed 16199547; PubMed 30689204; PubMed 32519519.

NM_001098.3(ACO2):c.1483-2A>G

Gene: ACO2 (aconitase 2; plus strand). Cytogenetic location: 22q13.2.
Variant type: single nucleotide variant.
Coding change: c.1483-2A>G on transcript NM_001098.3 (MANE Select); the canonical splice acceptor site of the intron before coding-DNA position 1483, A replaced by G.
Molecular consequence: splice acceptor variant.
Genome position (GRCh38, 1-based): chr22:41,524,844, A>G. VCF-style: chr22-41524844-A-G. GRCh37 (hg19) VCF-style: chr22-41920848-A-G.
Identifiers: ClinVar variation 1513443 (VCV001513443.6), dbSNP rs2146138978, ClinGen allele CA411727222.